The following is an entry in ClinVar:

NM_153603.4(COG7):c.1784T>A (p.Leu595Ter)

Gene: COG7 (component of oligomeric golgi complex 7; minus strand). Cytogenetic location: 16p12.2.
Variant type: single nucleotide variant.
Coding change: c.1784T>A on transcript NM_153603.4 (MANE Select); coding-DNA position 1784, T replaced by A.
Protein change: p.Leu595Ter; replaces leucine 595 with a stop codon.
Molecular consequence: nonsense.
Genome position (GRCh38, 1-based): chr16:23,403,713, A>T on the plus strand (T>A on the coding strand, the complement: COG7 is on the minus strand). VCF-style: chr16-23403713-A-T. GRCh37 (hg19) VCF-style: chr16-23415034-A-T.
Other names: short protein forms L595*.
Identifiers: ClinVar variation 2773270 (VCV002773270.3), dbSNP rs2506567482, ClinGen allele CA395117909.

ClinVar aggregate classification (germline): Pathogenic (1 of 4 stars; one submission).

Conditions:
COG7 congenital disorder of glycosylation (CDG2E). Also called: CONGENITAL DISORDER OF GLYCOSYLATION, TYPE IIe; CDG IIe. Identifiers: Orphanet 79333, MedGen C2931010, MONDO:0012118, OMIM 608779.

Allele frequency attached by ClinVar (database versions not stated): gnomAD exomes below 0.00001.
gnomAD v4.1: 1 of 1,614,102 alleles (0.000062%); highest among the groups gnomAD compares: Non-Finnish European, 0.000085%; no homozygotes.

Submission:

Labcorp Genetics (formerly Invitae), Labcorp
Classification: Pathogenic for COG7 congenital disorder of glycosylation. Last evaluated: 2023-11-01. Review status: criteria provided, single submitter. Criteria: Invitae Variant Classification Sherloc (09022015). Collection method: clinical testing. Allele origin: germline.
Comment: This sequence change creates a premature translational stop signal (p.Leu595*) in the COG7 gene. It is expected to result in an absent or disrupted protein product. Loss-of-function variants in COG7 are known to be pathogenic (PMID: 21811164). This variant is not present in population databases (gnomAD no frequency). This variant has not been reported in the literature in individuals affected with COG7-related conditions. For these reasons, this variant has been classified as Pathogenic.

Literature cited by the submitters: PubMed 21811164.